The following is an entry in ClinVar:

ClinVar aggregate classification (germline): Uncertain significance (1 of 4 stars; one submission).

gnomAD v4.1: 19 of 1,613,992 alleles (0.0012%); highest among the groups gnomAD compares: East Asian, 0.0089%; no homozygotes.

Submission:

Labcorp Genetics (formerly Invitae), Labcorp
Classification: Uncertain significance. Last evaluated: 2025-12-15. Review status: criteria provided, single submitter. Criteria: Invitae Variant Classification Sherloc (09022015). Collection method: clinical testing. Allele origin: germline.
Comment: This sequence change replaces threonine, which is neutral and polar, with methionine, which is neutral and non-polar, at codon 709 of the MCM2 protein (p.Thr709Met). This variant is present in population databases (no rsID available, gnomAD 0.006%). This variant has not been reported in the literature in individuals affected with MCM2-related conditions. An algorithm developed to predict the effect of missense changes on protein structure and function (PolyPhen-2) suggests that this variant is likely to be disruptive. In summary, the available evidence is currently insufficient to determine the role of this variant in disease. Therefore, it has been classified as a Variant of Uncertain Significance.

NM_004526.4(MCM2):c.2126C>T (p.Thr709Met)

Gene: MCM2 (minichromosome maintenance complex component 2; plus strand). Cytogenetic location: 3q21.3.
Variant type: single nucleotide variant.
Coding change: c.2126C>T on transcript NM_004526.4 (MANE Select); coding-DNA position 2126, C replaced by T.
Protein change: p.Thr709Met; replaces threonine 709 with methionine.
Molecular consequence: missense variant. On other transcripts: non-coding transcript variant (1).
Genome position (GRCh38, 1-based): chr3:127,619,139, C>T. VCF-style: chr3-127619139-C-T. GRCh37 (hg19) VCF-style: chr3-127337982-C-T.
Other names: short protein forms T709M.
Identifiers: ClinVar variation 4748992 (VCV004748992.1).